The following is an entry in ClinVar:

ClinVar aggregate classification (germline): Uncertain significance (1 of 4 stars; one submission).

Allele frequency attached by ClinVar (database versions not stated): TOPMed below 0.00001.

Submission:

Labcorp Genetics (formerly Invitae), Labcorp
Classification: Uncertain significance. Last evaluated: 2022-12-06. Review status: criteria provided, single submitter. Criteria: Invitae Variant Classification Sherloc (09022015). Collection method: clinical testing. Allele origin: germline.
Comment: This variant is present in population databases (rs774706646, gnomAD 0.006%). This sequence change replaces arginine, which is basic and polar, with glutamine, which is neutral and polar, at codon 3 of the PCGF2 protein (p.Arg3Gln). In summary, the available evidence is currently insufficient to determine the role of this variant in disease. Therefore, it has been classified as a Variant of Uncertain Significance. Algorithms developed to predict the effect of missense changes on protein structure and function are either unavailable or do not agree on the potential impact of this missense change (SIFT: "Tolerated"; PolyPhen-2: "Possibly Damaging"; Align-GVGD: "Class C0"). This variant has not been reported in the literature in individuals affected with PCGF2-related conditions.

NM_007144.3(PCGF2):c.8G>A (p.Arg3Gln)

Gene: PCGF2 (polycomb group ring finger 2; minus strand). Cytogenetic location: 17q12.
Variant type: single nucleotide variant.
Coding change: c.8G>A on transcript NM_007144.3 (MANE Select); coding-DNA position 8, G replaced by A.
Protein change: p.Arg3Gln; replaces arginine 3 with glutamine.
Molecular consequence: missense variant.
Genome position (GRCh38, 1-based): chr17:38,740,395, C>T on the plus strand (G>A on the coding strand, the complement: PCGF2 is on the minus strand). VCF-style: chr17-38740395-C-T. GRCh37 (hg19) VCF-style: chr17-36896648-C-T.
Other names: c.8G>A, p.Arg3Gln (NM_001369614.1, NM_001369615.1); short protein forms R3Q.
Identifiers: ClinVar variation 2723641 (VCV002723641.3), dbSNP rs774706646, ClinGen allele CA8525183.